The following is an entry in ClinVar:

NM_000089.4(COL1A2):c.2786A>G (p.Asn929Ser)

Gene: COL1A2 (collagen type I alpha 2 chain; plus strand). Cytogenetic location: 7q21.3.
Variant type: single nucleotide variant.
Coding change: c.2786A>G on transcript NM_000089.4 (MANE Select); coding-DNA position 2786, A replaced by G.
Protein change: p.Asn929Ser; replaces asparagine 929 with serine.
Molecular consequence: missense variant.
Genome position (GRCh38, 1-based): chr7:94,425,614, A>G. VCF-style: chr7-94425614-A-G. GRCh37 (hg19) VCF-style: chr7-94054926-A-G.
Other names: short protein forms N929S.
Identifiers: ClinVar variation 3495237 (VCV003495237.1).

ClinVar aggregate classification (germline): Uncertain significance (1 of 4 stars; one submission).

Conditions:
Cardiovascular phenotype. Identifiers: MedGen CN230736.

gnomAD v4.1: 5 of 1,613,916 alleles (0.00031%); highest among the groups gnomAD compares: African/African-American, 0.0013%; no homozygotes.

Submission:

Ambry Genetics
Classification: Uncertain significance for Cardiovascular phenotype. Last evaluated: 2024-06-25. Review status: criteria provided, single submitter. Criteria: Ambry Variant Classification Scheme 2023. Collection method: clinical testing. Allele origin: germline.
Comment: The p.N929S variant (also known as c.2786A>G), located in coding exon 43 of the COL1A2 gene, results from an A to G substitution at nucleotide position 2786. The asparagine at codon 929 is replaced by serine, an amino acid with highly similar properties. This amino acid position is well conserved in available vertebrate species. In addition, the in silico prediction for this alteration is inconclusive. Based on the available evidence, the clinical significance of this variant remains unclear.